The following is an entry in ClinVar:

ClinVar aggregate classification (germline): Uncertain significance (1 of 4 stars; one submission).

Conditions:
Multiple gastrointestinal atresias. Also called: Multiple intestinal atresia; FAMILIAL INTESTINAL POLYATRESIA SYNDROME. Identifiers: Orphanet 2300, MedGen C0220744, MONDO:0009465.

Allele frequency attached by ClinVar (database versions not stated): gnomAD exomes 0.00002.
gnomAD v4.1: 43 of 1,550,636 alleles (0.0028%); highest among the groups gnomAD compares: Middle Eastern, 0.1%; no homozygotes.

Submission:

Labcorp Genetics (formerly Invitae), Labcorp
Classification: Uncertain significance for Multiple gastrointestinal atresias. Last evaluated: 2024-10-16. Review status: criteria provided, single submitter. Criteria: Invitae Variant Classification Sherloc (09022015). Collection method: clinical testing. Allele origin: germline.
Comment: This sequence change replaces alanine, which is neutral and non-polar, with threonine, which is neutral and polar, at codon 55 of the TTC7A protein (p.Ala55Thr). This variant is present in population databases (no rsID available, gnomAD 0.008%). This variant has not been reported in the literature in individuals affected with TTC7A-related conditions. ClinVar contains an entry for this variant (Variation ID: 847046). An algorithm developed to predict the effect of missense changes on protein structure and function (PolyPhen-2) suggests that this variant¬†is likely to be tolerated. In summary, the available evidence is currently insufficient to determine the role of this variant in disease. Therefore, it has been classified as a Variant of Uncertain Significance.

NM_020458.4(TTC7A):c.163G>A (p.Ala55Thr)

Genes: MCFD2 (multiple coagulation factor deficiency 2, ER cargo receptor complex subunit; minus strand), TTC7A (tetratricopeptide repeat domain 7A; plus strand). Cytogenetic location: 2p21.
Variant type: single nucleotide variant.
Coding change: c.163G>A on transcript NM_020458.4 (MANE Select); coding-DNA position 163, G replaced by A.
Protein change: p.Ala55Thr; replaces alanine 55 with threonine.
Molecular consequence: missense variant. On other transcripts: intron variant (1), 5 prime UTR variant (3).
Genome position (GRCh38, 1-based): chr2:46,941,704, G>A. VCF-style: chr2-46941704-G-A. GRCh37 (hg19) VCF-style: chr2-47168843-G-A.
Other names: c.83-8659G>A (NM_001288953.2); c.163G>A, p.Ala55Thr (NM_001288951.2); c.-742G>A (NM_001288955.2); c.-139C>T (NM_001171508.2); c.-41C>T (NM_001171511.3); short protein forms A55T.
Identifiers: ClinVar variation 847046 (VCV000847046.8), dbSNP rs963602999, ClinGen allele CA46613154.